The following is an entry in ClinVar:

NM_000234.3(LIG1):c.2326G>A (p.Gly776Arg)

Gene: LIG1 (DNA ligase 1; minus strand). Cytogenetic location: 19q13.33.
Variant type: single nucleotide variant.
Coding change: c.2326G>A on transcript NM_000234.3 (MANE Select); coding-DNA position 2326, G replaced by A.
Protein change: p.Gly776Arg; replaces glycine 776 with arginine.
Molecular consequence: missense variant. On other transcripts: non-coding transcript variant (6).
Genome position (GRCh38, 1-based): chr19:48,121,229, C>T on the plus strand (G>A on the coding strand, the complement: LIG1 is on the minus strand). VCF-style: chr19-48121229-C-T. GRCh37 (hg19) VCF-style: chr19-48624486-C-T.
Other names: c.2233G>A, p.Gly745Arg (NM_001289063.2); c.2122G>A, p.Gly708Arg (NM_001289064.2); c.2323G>A, p.Gly775Arg (NM_001320970.2); c.2236G>A, p.Gly746Arg (NM_001320971.2); short protein forms G745R, G776R, G775R, G708R, G746R.
Identifiers: ClinVar variation 2150646 (VCV002150646.5), dbSNP rs1176633059, ClinGen allele CA406642352.

ClinVar aggregate classification (germline): Uncertain significance. Review status: criteria provided, multiple submitters, no conflicts (2 of 4 stars). 4 submissions from 4 submitters: Uncertain significance (4). Last evaluated 2022-12-22.

Conditions:
Immunodeficiency 96 (IMD96). Identifiers: MedGen C5676930, MONDO:0030693, OMIM 619774.

Allele frequency attached by ClinVar (database versions not stated): TOPMed 0.00001.
gnomAD v4.1: 9 of 1,614,016 alleles (0.00056%); highest among the groups gnomAD compares: Non-Finnish European, 0.00076%; no homozygotes.

Submissions (4):

Laboratorio de Genetica e Diagnostico Molecular, Hospital Israelita Albert Einstein
Classification: Uncertain significance for Immunodeficiency 96. Last evaluated: 2022-12-22. Review status: criteria provided, single submitter. Criteria: ACMG Guidelines, 2015. Collection method: clinical testing. Allele origin: germline. Affected: yes. Observed: 1 variant allele.
Comment: ACMG classification criteria: PM2 moderated, PM3 moderated, PP3 supporting

Ambry Genetics
Classification: Uncertain significance. Last evaluated: 2022-10-12. Review status: criteria provided, single submitter. Criteria: Ambry Variant Classification Scheme 2023. Collection method: clinical testing. Allele origin: germline.

Blueprint Genetics
Classification: Uncertain significance. Last evaluated: 2022-05-31. Review status: criteria provided, single submitter. Criteria: ACMG Guidelines, 2015. Collection method: clinical testing. Allele origin: germline.

Labcorp Genetics (formerly Invitae), Labcorp
Classification: Uncertain significance. Last evaluated: 2022-03-13. Review status: criteria provided, single submitter. Criteria: Invitae Variant Classification Sherloc (09022015). Collection method: clinical testing. Allele origin: germline.
Comment: This sequence change replaces glycine, which is neutral and non-polar, with arginine, which is basic and polar, at codon 776 of the LIG1 protein (p.Gly776Arg). In summary, the available evidence is currently insufficient to determine the role of this variant in disease. Therefore, it has been classified as a Variant of Uncertain Significance. Algorithms developed to predict the effect of missense changes on protein structure and function (SIFT, PolyPhen-2, Align-GVGD) all suggest that this variant is likely to be disruptive. This variant has not been reported in the literature in individuals affected with LIG1-related conditions. This variant is not present in population databases (gnomAD no frequency).